The following is an entry in ClinVar:

NM_000059.4(BRCA2):c.2096del (p.Gln699fs)

Gene: BRCA2 (BRCA2 DNA repair associated; plus strand). Cytogenetic location: 13q13.1.
Variant type: Deletion.
Coding change: c.2096del on transcript NM_000059.4 (MANE Select); coding-DNA position 2096, one base deleted (A; older notation c.2096delA).
Protein change: p.Gln699fs; shifts the reading frame from glutamine 699.
Molecular consequence: frameshift variant. On other transcripts: non-coding transcript variant (1), intron variant (2).
Genome position (GRCh38, 1-based): chr13:32,336,451, A deleted. VCF-style (leftmost placement, unchanged base first): chr13-32336450-CA-C. GRCh37 (hg19) VCF-style: chr13-32910587-CA-C.
Other names: c.2096del, p.Gln699fs (NM_001406719.1, NM_001406720.1); c.1909+3064del (NM_001406721.1); c.424+5421del (NM_001406722.1); short protein forms Q699fs.
Identifiers: ClinVar variation 2583831 (VCV002583831.2), dbSNP rs2548523161, ClinGen allele CA2582341833.

ClinVar aggregate classification (germline): Pathogenic (1 of 4 stars; one submission).

Conditions:
Breast-ovarian cancer, familial, susceptibility to, 2 (BROVCA2). Also called: BRCA2 Hereditary Breast and Ovarian Cancer. Identifiers: Orphanet 145, MedGen C2675520, MONDO:0012933, OMIM 612555. Disease mechanism: loss of function.

Submission:

Myriad Genetics, Inc.
Classification: Pathogenic for Breast-ovarian cancer, familial, susceptibility to, 2. Last evaluated: 2023-05-24. Review status: criteria provided, single submitter. Criteria: Myriad Autosomal Dominant, Autosomal Recessive and X-Linked Classification Criteria (2023). Collection method: clinical testing. Allele origin: unknown.
Comment: This variant is considered pathogenic. This variant creates a frameshift predicted to result in premature protein truncation.